The following is an entry in ClinVar:

NM_005045.4(RELN):c.8809G>T (p.Ala2937Ser)

Genes: RELN (reelin; minus strand), SLC26A5-AS1 (SLC26A5 antisense RNA 1; plus strand). Cytogenetic location: 7q22.1.
Variant type: single nucleotide variant.
Coding change: c.8809G>T on transcript NM_005045.4 (MANE Select); coding-DNA position 8809, G replaced by T.
Protein change: p.Ala2937Ser; replaces alanine 2937 with serine.
Molecular consequence: missense variant.
Genome position (GRCh38, 1-based): chr7:103,498,111, C>A on the plus strand (G>T on the coding strand, the complement: RELN is on the minus strand). VCF-style: chr7-103498111-C-A. GRCh37 (hg19) VCF-style: chr7-103138558-C-A.
Other names: c.8809G>T, p.Ala2937Ser (NM_173054.3); short protein forms A2937S.
Identifiers: ClinVar variation 197970 (VCV000197970.6), dbSNP rs750491016, ClinGen allele CA246392.

ClinVar aggregate classification (germline): Uncertain significance. Review status: criteria provided, multiple submitters, no conflicts (2 of 4 stars). 2 submissions from 2 submitters: Uncertain significance (2). Last evaluated 2025-05-13.

Conditions:
Norman-Roberts syndrome (LIS2). Also called: Lissencephaly 2 (Norman-Roberts type). Identifiers: Orphanet 89844, MedGen C0796089, MONDO:0009760, OMIM 257320.
Familial temporal lobe epilepsy 7. Identifiers: Orphanet 101046, MedGen C4225327, MONDO:0014639, OMIM 616436.

gnomAD v4.1: 5 of 1,614,042 alleles (0.00031%); highest among the groups gnomAD compares: Admixed American, 0.0083%; no homozygotes.

Submissions (2):

Labcorp Genetics (formerly Invitae), Labcorp
Classification: Uncertain significance for Familial temporal lobe epilepsy 7; Norman-Roberts syndrome. Last evaluated: 2025-05-13. Review status: criteria provided, single submitter. Criteria: Invitae Variant Classification Sherloc (09022015). Collection method: clinical testing. Allele origin: germline.
Comment: This sequence change replaces alanine, which is neutral and non-polar, with serine, which is neutral and polar, at codon 2937 of the RELN protein (p.Ala2937Ser). This variant is not present in population databases (gnomAD no frequency). This variant has not been reported in the literature in individuals affected with RELN-related conditions. ClinVar contains an entry for this variant (Variation ID: 197970). Invitae Evidence Modeling of protein sequence and biophysical properties (such as structural, functional, and spatial information, amino acid conservation, physicochemical variation, residue mobility, and thermodynamic stability) indicates that this missense variant is not expected to disrupt RELN protein function with a negative predictive value of 80%. In summary, the available evidence is currently insufficient to determine the role of this variant in disease. Therefore, it has been classified as a Variant of Uncertain Significance.

Eurofins Ntd Llc (ga)
Classification: Uncertain significance. Last evaluated: 2014-06-05. Review status: criteria provided, single submitter. Criteria: EGL Classification Definitions 2015. Collection method: clinical testing. Allele origin: germline. Observed: 1 variant allele, 1 heterozygote.